The following is an entry in ClinVar:

ClinVar aggregate classification (germline): Conflicting classifications of pathogenicity. Review status: criteria provided, conflicting classifications (1 of 4 stars). 5 submissions from 4 submitters: Uncertain significance (2); Likely benign (2). 1 of the submissions does not count toward it. Last evaluated 2024-11-06.

Conditions:
Stickler syndrome type 1 (STL1). Also called: ARTHROOPHTHALMOPATHY, HEREDITARY PROGRESSIVE; STICKLER SYNDROME, MEMBRANOUS VITREOUS TYPE; STICKLER SYNDROME, VITREOUS TYPE 1; COL2A1-Related Stickler Syndrome. Identifiers: Orphanet 828, Orphanet 90653, MedGen C2020284, MONDO:0007160, OMIM 108300.
COL2A1-related disorder. Also called: COL2A1-related condition; COL2A1-related disorders.
Type 2 collagenopathy. Identifiers: Orphanet 93421, MedGen C2931073, MONDO:0022800.

Allele frequency attached by ClinVar (database versions not stated): ExAC 0.00003; gnomAD exomes 0.00004; gnomAD 0.00005; TOPMed 0.00006.
gnomAD v4.1: 74 of 1,613,712 alleles (0.0046%); highest among the groups gnomAD compares: Middle Eastern, 0.016%; no homozygotes.

Submissions (5):

Blueprint Genetics
Classification: Likely benign. Last evaluated: 2024-11-06. Review status: criteria provided, single submitter. Criteria: ACMG Guidelines, 2015. Collection method: clinical testing. Allele origin: germline.

Illumina Laboratory Services, Illumina
Classification: Likely benign for Type II Collagenopathies. Last evaluated: 2018-01-13. Review status: criteria provided, single submitter. Criteria: ICSL Variant Classification Criteria 13 December 2019. Collection method: clinical testing. Allele origin: germline.
Comment: This variant was observed in the ICSL laboratory as part of a predisposition screen in an ostensibly healthy population. It had not been previously curated by ICSL or reported in the Human Gene Mutation Database (HGMD: prior to June 1st, 2018), and was therefore a candidate for classification through an automated scoring system. Utilizing variant allele frequency, disease prevalence and penetrance estimates, and inheritance mode, an automated score was calculated to assess if this variant is too frequent to cause the disease. Based on the score and internal cut-off values, a variant classified as likely benign is not then subjected to further curation. The score for this variant resulted in a classification of likely benign for this disease.

Illumina Laboratory Services, Illumina
Classification: Uncertain significance for Stickler syndrome type 1. Last evaluated: 2018-01-13. Review status: criteria provided, single submitter. Criteria: ICSL Variant Classification Criteria 13 December 2019. Collection method: clinical testing. Allele origin: germline.

CeGaT Center for Human Genetics Tuebingen
Classification: Uncertain significance. Last evaluated: 2017-02-01. Review status: criteria provided, single submitter. Criteria: CeGaT Center For Human Genetics Tuebingen Variant Classification Criteria Version 2. Collection method: clinical testing. Allele origin: germline. Affected: yes. Observed: 1 variant allele.

PreventionGenetics, part of Exact Sciences
Classification: Likely benign for COL2A1-related condition. Last evaluated: 2020-02-14. Review status: no assertion criteria provided. Collection method: clinical testing. Allele origin: germline. Not counted in ClinVar's aggregate classification.
Comment: This variant is classified as likely benign based on ACMG/AMP sequence variant interpretation guidelines (Richards et al. 2015 PMID: 25741868, with internal and published modifications).

NM_001844.5(COL2A1):c.1680+8G>T

Gene: COL2A1 (collagen type II alpha 1 chain; minus strand). Cytogenetic location: 12q13.11.
Variant type: single nucleotide variant.
Coding change: c.1680+8G>T on transcript NM_001844.5 (MANE Select); 8 bases into the intron after coding-DNA position 1680, G replaced by T.
Molecular consequence: intron variant.
Genome position (GRCh38, 1-based): chr12:47,985,720, C>A on the plus strand (G>T on the coding strand, the complement: COL2A1 is on the minus strand). VCF-style: chr12-47985720-C-A. GRCh37 (hg19) VCF-style: chr12-48379503-C-A.
Other names: c.1473+8G>T (NM_033150.3).
Identifiers: ClinVar variation 308924 (VCV000308924.27), dbSNP rs754310324, ClinGen allele CA6535426.